The following is an entry in ClinVar:

ClinVar aggregate classification (germline): Pathogenic/Likely pathogenic. Review status: criteria provided, multiple submitters, no conflicts (2 of 4 stars). 2 submissions from 2 submitters: Pathogenic (1); Likely pathogenic (1). Last evaluated 2021-06-10.

Conditions:
Hereditary cancer-predisposing syndrome. Also called: Neoplastic Syndromes, Hereditary; Tumor predisposition; Hereditary Cancer Syndrome; Hereditary neoplastic syndrome. Identifiers: Orphanet 140162, MedGen C0027672, MeSH D009386, MONDO:0015356.
Familial cancer of breast. Also called: BREAST CANCER, FAMILIAL; Hereditary breast cancer; hereditary breast carcinoma. Identifiers: Orphanet 227535, MedGen C0346153, MONDO:0016419, OMIM 114480. Disease mechanism: loss of function.

Submissions (2):

Baylor Genetics
Classification: Likely pathogenic for Familial cancer of breast. Last evaluated: 2021-06-10. Review status: criteria provided, single submitter. Criteria: ACMG Guidelines, 2015. Collection method: clinical testing. Allele origin: unknown.

Ambry Genetics
Classification: Pathogenic for Hereditary cancer-predisposing syndrome. Last evaluated: 2020-11-10. Review status: criteria provided, single submitter. Criteria: Ambry Variant Classification Scheme 2023. Collection method: clinical testing. Allele origin: germline.
Comment: The c.1571delT pathogenic mutation, located in coding exon 9 of the BRCA2 gene, results from a deletion of one nucleotide at nucleotide position 1571, causing a translational frameshift with a predicted alternate stop codon (p.M524Rfs*34). This alteration is expected to result in loss of function by premature protein truncation or nonsense-mediated mRNA decay. As such, this alteration is interpreted as a disease-causing mutation.

NM_000059.4(BRCA2):c.1571del (p.Met524fs)

Gene: BRCA2 (BRCA2 DNA repair associated; plus strand). Cytogenetic location: 13q13.1.
Variant type: Deletion.
Coding change: c.1571del on transcript NM_000059.4 (MANE Select); coding-DNA position 1571, one base deleted (T; older notation c.1571delT).
Protein change: p.Met524fs; shifts the reading frame from methionine 524.
Molecular consequence: frameshift variant.
Genome position (GRCh38, 1-based): chr13:32,333,049, T deleted. VCF-style (leftmost placement, unchanged base first): chr13-32333048-AT-A. GRCh37 (hg19) VCF-style: chr13-32907185-AT-A.
Other names: c.1571delT, p.Met524Argfs (NM_001406719.1, NM_001406720.1, NM_001406721.1); short protein forms M524fs.
Identifiers: ClinVar variation 1775515 (VCV001775515.3), dbSNP rs2548520544, ClinGen allele CA2580087084.